The following is an entry in ClinVar:

ClinVar aggregate classification (germline): Benign/Likely benign. Review status: criteria provided, multiple submitters, no conflicts (2 of 4 stars). 4 submissions from 4 submitters: Benign (1); Likely benign (3). Last evaluated 2024-12-05.

Conditions:
Inborn genetic diseases. Identifiers: MedGen C0950123, MeSH D030342.

Allele frequency attached by ClinVar (database versions not stated): ExAC 0.00022; gnomAD 0.00022; TOPMed 0.00022; ESP Exome Variant Server 0.00038.
gnomAD v4.1: 362 of 1,610,528 alleles (0.022%); highest among the groups gnomAD compares: Non-Finnish European, 0.0057%; no homozygotes.

Submissions (4):

Labcorp Genetics (formerly Invitae), Labcorp
Classification: Benign. Last evaluated: 2024-12-05. Review status: criteria provided, single submitter. Criteria: Invitae Variant Classification Sherloc (09022015). Collection method: clinical testing. Allele origin: germline.

Ambry Genetics
Classification: Likely benign for Inborn genetic diseases. Last evaluated: 2022-10-13. Review status: criteria provided, single submitter. Criteria: Ambry Variant Classification Scheme 2023. Collection method: clinical testing. Allele origin: germline.

CeGaT Center for Human Genetics Tuebingen
Classification: Likely benign. Last evaluated: 2022-08-01. Review status: criteria provided, single submitter. Criteria: CeGaT Center For Human Genetics Tuebingen Variant Classification Criteria Version 2. Collection method: clinical testing. Allele origin: germline. Affected: yes. Observed: 1 variant allele.
Comment: MACF1: BP4

Blueprint Genetics
Classification: Likely benign. Last evaluated: 2021-10-05. Review status: criteria provided, single submitter. Criteria: ACMG Guidelines, 2015. Collection method: clinical testing. Allele origin: germline.

NM_001394062.1(MACF1):c.2482-5T>C

Gene: MACF1 (microtubule actin crosslinking factor 1; plus strand). Cytogenetic location: 1p34.3.
Variant type: single nucleotide variant.
Coding change: c.2482-5T>C on transcript NM_001394062.1 (MANE Select); 5 bases into the intron before coding-DNA position 2482, T replaced by C.
Molecular consequence: intron variant.
Genome position (GRCh38, 1-based): chr1:39,300,205, T>C. VCF-style: chr1-39300205-T-C. GRCh37 (hg19) VCF-style: chr1-39765877-T-C.
Other names: c.2497-5T>C (NM_012090.5).
Identifiers: ClinVar variation 2223189 (VCV002223189.30), dbSNP rs112859847, ClinGen allele CA779734.